The following is an entry in ClinVar:

ClinVar aggregate classification (germline): Likely benign. Review status: criteria provided, multiple submitters, no conflicts (2 of 4 stars). 2 submissions from 2 submitters: Likely benign (2). Last evaluated 2025-07-06.

Allele frequency attached by ClinVar (database versions not stated): ExAC 0.00001; gnomAD 0.00001; gnomAD exomes 0.00002 and 0.00004; TOPMed 0.00002.
gnomAD v4.1: 61 of 1,613,000 alleles (0.0038%); highest among the groups gnomAD compares: Non-Finnish European, 0.0048%; no homozygotes.

Submissions (2):

Labcorp Genetics (formerly Invitae), Labcorp
Classification: Likely benign. Last evaluated: 2025-07-06. Review status: criteria provided, single submitter. Criteria: Invitae Variant Classification Sherloc (09022015). Collection method: clinical testing. Allele origin: germline.

GeneDx
Classification: Likely benign. Last evaluated: 2017-07-27. Review status: criteria provided, single submitter. Criteria: GeneDx Variant Classification (06012015). Collection method: clinical testing. Allele origin: germline. Affected: yes.
Comment: This variant is considered likely benign or benign based on one or more of the following criteria: it is a conservative change, it occurs at a poorly conserved position in the protein, it is predicted to be benign by multiple in silico algorithms, and/or has population frequency not consistent with disease.

NM_000255.4(MMUT):c.1041A>G (p.Leu347=)

Gene: MMUT (methylmalonyl-CoA mutase; minus strand). Cytogenetic location: 6p12.3.
Variant type: single nucleotide variant.
Coding change: c.1041A>G on transcript NM_000255.4 (MANE Select); coding-DNA position 1041, A replaced by G.
Protein change: p.Leu347=; no amino-acid change (leucine 347 retained).
Molecular consequence: synonymous variant.
Genome position (GRCh38, 1-based): chr6:49,453,627, T>C on the plus strand (A>G on the coding strand, the complement: MMUT is on the minus strand). VCF-style: chr6-49453627-T-C. GRCh37 (hg19) VCF-style: chr6-49421340-T-C.
Identifiers: ClinVar variation 510872 (VCV000510872.11), dbSNP rs1454849970, ClinGen allele CA3846978.
Genomic context (GRCh38, chr6:49,453,627, plus strand): 5'-TTTAAATTATATACATACCTGCTCAGTAAGTGACCATCCAGATGTCTGACAGTGTGCTCT[T>C]AGAAGAAGAGATTTTGAGTTTTTAGGCTGAAACATTTTCTCTATTAAGTGAGCCCAGAGT-3'
Protein context (NP_000246.2, residues 337-357): FQPKNSKSLL[Leu347=]RAHCQTSGWS